The following is an entry in ClinVar:

ClinVar aggregate classification (germline): Uncertain significance (1 of 4 stars; one submission).

Submission:

Ambry Genetics
Classification: Uncertain significance. Last evaluated: 2023-11-22. Review status: criteria provided, single submitter. Criteria: Ambry Variant Classification Scheme 2023. Collection method: clinical testing. Allele origin: germline.
Comment: The p.H1550Y variant (also known as c.4648C>T), located in coding exon 4 of the ALPK2 gene, results from a C to T substitution at nucleotide position 4648. The histidine at codon 1550 is replaced by tyrosine, an amino acid with similar properties. This amino acid position is conserved. In addition, this alteration is predicted to be tolerated by in silico analysis. Since supporting evidence is limited at this time, the clinical significance of this alteration remains unclear.

NM_052947.4(ALPK2):c.4648C>T (p.His1550Tyr)

Genes: ALPK2 (alpha kinase 2; minus strand), LOC126862764 (BRD4-independent group 4 enhancer GRCh37_chr18:56202574-56203773; plus strand). Cytogenetic location: 18q21.31.
Variant type: single nucleotide variant.
Coding change: c.4648C>T on transcript NM_052947.4 (MANE Select); coding-DNA position 4648, C replaced by T.
Protein change: p.His1550Tyr; replaces histidine 1550 with tyrosine.
Molecular consequence: missense variant.
Genome position (GRCh38, 1-based): chr18:58,535,539, G>A on the plus strand (C>T on the coding strand, the complement: ALPK2 is on the minus strand). VCF-style: chr18-58535539-G-A. GRCh37 (hg19) VCF-style: chr18-56202771-G-A.
Other names: short protein forms H1550Y.
Identifiers: ClinVar variation 3228757 (VCV003228757.1), dbSNP rs1555668234, ClinGen allele CA402560646.
Genomic context (GRCh38, chr18:58,535,539, plus strand): 5'-TTTCAGGGACGTCATGAATTTGGCCTGTGGAGTTGTGCGTGTCAACCCCAAGAGAAGCGT[G>A]AGTCATTATTGGAAGACAACTAGAAAGAGGTGAAGTGGGGGAAATCAATTCTGCTTTGTC-3'
Protein context (NP_443179.3, residues 1540-1560): PLSSCLPIMT[His1550Tyr]ASLGVDTHNS